The following is an entry in ClinVar:

NM_001035.3(RYR2):c.8183C>G (p.Ser2728Cys)

Gene: RYR2 (ryanodine receptor 2; plus strand). Cytogenetic location: 1q43.
Variant type: single nucleotide variant.
Coding change: c.8183C>G on transcript NM_001035.3 (MANE Select); coding-DNA position 8183, C replaced by G.
Protein change: p.Ser2728Cys; replaces serine 2728 with cysteine.
Molecular consequence: missense variant.
Genome position (GRCh38, 1-based): chr1:237,657,997, C>G. VCF-style: chr1-237657997-C-G. GRCh37 (hg19) VCF-style: chr1-237821297-C-G.
Other names: short protein forms S2728C.
Identifiers: ClinVar variation 925177 (VCV000925177.5), dbSNP rs768193177, ClinGen allele CA345401230.

ClinVar aggregate classification (germline): Uncertain significance (1 of 4 stars; one submission).

Conditions:
Cardiomyopathy (CMYO). Also called: Cardiomyopathies. Identifiers: Orphanet 167848, MedGen C0878544, MONDO:0004994, HP:0001638. Inheritance: Various modes of inheritance.

gnomAD v4.1: 3 of 1,509,794 alleles (0.0002%); highest among the groups gnomAD compares: Non-Finnish European, 0.00027%; no homozygotes.

Submission:

Color Diagnostics, LLC DBA Color Health
Classification: Uncertain significance for Cardiomyopathy. Last evaluated: 2023-12-04. Review status: criteria provided, single submitter. Criteria: ACMG Guidelines, 2015. Collection method: clinical testing. Allele origin: germline.
Comment: Variant of Uncertain Significance due to insufficient evidence: This missense variant is located in the cytoplasmic domain of the RYR2 protein. Computational prediction tools and conservation analyses are inconclusive regarding the impact of this variant on the protein function. Computational splicing tools suggest that this variant may not impact RNA splicing. To our knowledge, functional assays have not been performed for this variant nor has this variant been reported in individuals affected with cardiovascular disorders in the literature. This variant is rare in the general population and has been identified in 0/277264 chromosomes by the Genome Aggregation Database (gnomAD). Available evidence is insufficient to determine the pathogenicity of this variant conclusively.